The following is an entry in ClinVar:

ClinVar aggregate classification (germline): Uncertain significance (1 of 4 stars; one submission).

Submission:

Labcorp Genetics (formerly Invitae), Labcorp
Classification: Uncertain significance. Last evaluated: 2023-10-13. Review status: criteria provided, single submitter. Criteria: Invitae Variant Classification Sherloc (09022015). Collection method: clinical testing. Allele origin: germline.
Comment: This sequence change replaces glutamic acid, which is acidic and polar, with glycine, which is neutral and non-polar, at codon 677 of the FAM161A protein (p.Glu677Gly). This variant is not present in population databases (gnomAD no frequency). This variant has not been reported in the literature in individuals affected with FAM161A-related conditions. ClinVar contains an entry for this variant (Variation ID: 862337). Algorithms developed to predict the effect of missense changes on protein structure and function output the following: SIFT: "Not Available"; PolyPhen-2: "Possibly Damaging"; Align-GVGD: "Not Available". The glycine amino acid residue is found in multiple mammalian species, which suggests that this missense change does not adversely affect protein function. In summary, the available evidence is currently insufficient to determine the role of this variant in disease. Therefore, it has been classified as a Variant of Uncertain Significance.

NM_001201543.2(FAM161A):c.2030A>G (p.Glu677Gly)

Gene: FAM161A (FAM161 centrosomal protein A; minus strand). Cytogenetic location: 2p15.
Variant type: single nucleotide variant.
Coding change: c.2030A>G on transcript NM_001201543.2 (MANE Select); coding-DNA position 2030, A replaced by G.
Protein change: p.Glu677Gly; replaces glutamic acid 677 with glycine.
Molecular consequence: missense variant. On other transcripts: non-coding transcript variant (1).
Genome position (GRCh38, 1-based): chr2:61,826,576, T>C on the plus strand (A>G on the coding strand, the complement: FAM161A is on the minus strand). VCF-style: chr2-61826576-T-C. GRCh37 (hg19) VCF-style: chr2-62053711-T-C.
Other names: c.1862A>G, p.Glu621Gly (NM_032180.3); short protein forms E621G, E677G.
Identifiers: ClinVar variation 862337 (VCV000862337.7), dbSNP rs1672375319, ClinGen allele CA346984230.
Genomic context (GRCh38, chr2:61,826,576, plus strand): 5'-TTGTAAGAATCCTGGCTGTTGGTATCAATAAAATAATTTTCTTCCCCATTCTCTCTTTCT[T>C]CTATTTTTTCTTCTTCATTAAAGCTAGGGGAAGAAATTTATCAATCTTTCAAAGGAAAAA-3'
Protein context (NP_001188472.1, residues 667-687): KESFNEEEKI[Glu677Gly]ERENGEENYF